The following is an entry in ClinVar:

NM_020699.4(GATAD2B):c.1776G>C (p.Gln592His)

Gene: GATAD2B (GATA zinc finger domain containing 2B; minus strand). Cytogenetic location: 1q21.3.
Variant type: single nucleotide variant.
Coding change: c.1776G>C on transcript NM_020699.4 (MANE Select); coding-DNA position 1776, G replaced by C.
Protein change: p.Gln592His; replaces glutamine 592 with histidine.
Molecular consequence: missense variant.
Genome position (GRCh38, 1-based): chr1:153,810,183, C>G on the plus strand (G>C on the coding strand, the complement: GATAD2B is on the minus strand). VCF-style: chr1-153810183-C-G. GRCh37 (hg19) VCF-style: chr1-153782659-C-G.
Other names: short protein forms Q592H.
Identifiers: ClinVar variation 4730246 (VCV004730246.1).

ClinVar aggregate classification (germline): Uncertain significance (1 of 4 stars; one submission).

Submission:

Labcorp Genetics (formerly Invitae), Labcorp
Classification: Uncertain significance. Last evaluated: 2025-11-11. Review status: criteria provided, single submitter. Criteria: Invitae Variant Classification Sherloc (09022015). Collection method: clinical testing. Allele origin: germline.
Comment: This sequence change replaces glutamine, which is neutral and polar, with histidine, which is basic and polar, at codon 592 of the GATAD2B protein (p.Gln592His). This variant is not present in population databases (gnomAD no frequency). This variant has not been reported in the literature in individuals affected with GATAD2B-related conditions. An algorithm developed to predict the effect of missense changes on protein structure and function (PolyPhen-2) suggests that this variant is likely to be disruptive. In summary, the available evidence is currently insufficient to determine the role of this variant in disease. Therefore, it has been classified as a Variant of Uncertain Significance.